The following is an entry in ClinVar:

ClinVar aggregate classification (germline): Conflicting classifications of pathogenicity. Review status: criteria provided, conflicting classifications (1 of 4 stars). 7 submissions from 7 submitters: Uncertain significance (2); Benign (2); Likely benign (2). 1 of the submissions does not count toward it. Last evaluated 2026-01-20.

Conditions:
Usher syndrome type 3A (USH3A). Also called: USHER SYNDROME, TYPE IIIA. Identifiers: MedGen C5779850, MONDO:0010170, OMIM 276902.
Retinal dystrophy. Also called: Inherited retinal dystrophy. Identifiers: Orphanet 71862, MedGen C0854723, MeSH D058499, MONDO:0019118, HP:0000556.

Allele frequency attached by ClinVar (database versions not stated): gnomAD 0.00020 and 0.00029; 1000 Genomes Project 30x 0.00156; gnomAD exomes 0.00024 and 0.00062; TOPMed 0.00039; ExAC 0.00064; 1000 Genomes Project 0.00140.
gnomAD v4.1: 410 of 1,614,218 alleles (0.025%); highest among the groups gnomAD compares: East Asian, 0.77%; 2 homozygotes.

Submissions (7):

Labcorp Genetics (formerly Invitae), Labcorp
Classification: Benign. Last evaluated: 2026-01-20. Review status: criteria provided, single submitter. Criteria: Invitae Variant Classification Sherloc (09022015). Collection method: clinical testing. Allele origin: germline.

Blueprint Genetics
Classification: Likely benign. Last evaluated: 2024-08-13. Review status: criteria provided, single submitter. Criteria: ACMG Guidelines, 2015. Collection method: clinical testing. Allele origin: germline.

Dept Of Ophthalmology, Nagoya University
Classification: Uncertain significance for Retinal dystrophy. Last evaluated: 2023-10-01. Review status: criteria provided, single submitter. Criteria: Submitter's publication. Collection method: research. Allele origin: germline. Affected: yes.

GeneDx
Classification: Likely benign. Last evaluated: 2019-11-27. Review status: criteria provided, single submitter. Criteria: GeneDx Variant Classification Process June 2021. Collection method: clinical testing. Allele origin: germline. Affected: yes.

Eurofins Ntd Llc (ga)
Classification: Uncertain significance. Last evaluated: 2016-12-08. Review status: criteria provided, single submitter. Criteria: EGL Classification Definitions 2015. Collection method: clinical testing. Allele origin: germline. Observed: 1 variant allele, 1 heterozygote.

Laboratory for Molecular Medicine, Mass General Brigham Personalized Medicine
Classification: Benign. Last evaluated: 2016-02-18. Review status: criteria provided, single submitter. Criteria: LMM Criteria. Collection method: clinical testing. Allele origin: germline. Observed: 2 variant alleles.
Comment: p.Ser3Arg in exon 1 of CLRN1: This variant is not expected to have clinical sign ificance because it has been identified in 0.8% (73/8624) of East Asian chromoso mes Exome Aggregation Consortium (ExAC; dbSNP s1 87218889).

Natera, Inc.
Classification: Likely benign for Usher syndrome type 3A. Last evaluated: 2019-12-13. Review status: no assertion criteria provided. Collection method: clinical testing. Allele origin: germline. Not counted in ClinVar's aggregate classification.

NM_174878.3(CLRN1):c.9C>A (p.Ser3Arg)

Genes: CLRN1 (clarin 1; minus strand), CLRN1-AS1 (CLRN1 antisense RNA 1; plus strand). Cytogenetic location: 3q25.1.
Variant type: single nucleotide variant.
Coding change: c.9C>A on transcript NM_174878.3 (MANE Select); coding-DNA position 9, C replaced by A.
Protein change: p.Ser3Arg; replaces serine 3 with arginine.
Molecular consequence: missense variant. On other transcripts: non-coding transcript variant (2).
Genome position (GRCh38, 1-based): chr3:150,972,700, G>T on the plus strand (C>A on the coding strand, the complement: CLRN1 is on the minus strand). VCF-style: chr3-150972700-G-T. GRCh37 (hg19) VCF-style: chr3-150690487-G-T.
Other names: c.9C>A, p.Ser3Arg (NM_001195794.1, NM_001256819.2); short protein forms S3R.
Identifiers: ClinVar variation 48149 (VCV000048149.24), dbSNP rs187218889, ClinGen allele CA142703.